The following is an entry in ClinVar:

NM_000359.3(TGM1):c.2221G>A (p.Val741Ile)

Gene: TGM1 (transglutaminase 1; minus strand). Cytogenetic location: 14q12.
Variant type: single nucleotide variant.
Coding change: c.2221G>A on transcript NM_000359.3 (MANE Select); coding-DNA position 2221, G replaced by A.
Protein change: p.Val741Ile; replaces valine 741 with isoleucine.
Molecular consequence: missense variant.
Genome position (GRCh38, 1-based): chr14:24,254,156, C>T on the plus strand (G>A on the coding strand, the complement: TGM1 is on the minus strand). VCF-style: chr14-24254156-C-T. GRCh37 (hg19) VCF-style: chr14-24723362-C-T.
Other names: short protein forms V741I.
Identifiers: ClinVar variation 312971 (VCV000312971.12), dbSNP rs141864003, ClinGen allele CA7130853.
Genomic context (GRCh38, chr14:24,254,156, plus strand): 5'-CAGCCTGTGGGGAAGGCCAGAGTGGAAGCAGGGGTAGGGGGAGAGGCCAGACTCACCCAA[C>T]GTTGAGGATCTTGGGCCTCTGTAACCCAGAGCCTTCGAGCCGGAAGACGACATTGGTGAG-3'
Protein context (NP_000350.1, residues 731-751): SGLQRPKILN[Val741Ile]GDIGGNETVT

ClinVar aggregate classification (germline): Uncertain significance. Review status: criteria provided, multiple submitters, no conflicts (2 of 4 stars). 5 submissions from 5 submitters: Uncertain significance (4). 1 of the submissions does not count toward it. Last evaluated 2021-09-13.

Conditions:
Autosomal recessive congenital ichthyosis 1 (LI1). Also called: COLLODION FETUS; DESQUAMATION OF NEWBORN; ICHTHYOSIS CONGENITA; ICHTHYOSIS CONGENITA II; LAMELLAR EXFOLIATION OF NEWBORN; ICHTHYOSIS, CONGENITAL, AUTOSOMAL RECESSIVE 1, WITH BATHING SUIT DISTRIBUTION. Identifiers: MedGen C4551630, MONDO:0009441, OMIM 242300.
Inborn genetic diseases. Identifiers: MedGen C0950123, MeSH D030342.

Allele frequency attached by ClinVar (database versions not stated): ExAC 0.00017; ESP Exome Variant Server 0.00038; gnomAD exomes 0.00015 and 0.00027; TOPMed 0.00011.
gnomAD v4.1: 425 of 1,610,960 alleles (0.026%); highest among the groups gnomAD compares: Non-Finnish European, 0.033%; 1 homozygote.

Submissions (5):

GeneDx
Classification: Uncertain significance. Last evaluated: 2021-09-13. Review status: criteria provided, single submitter. Criteria: GeneDx Variant Classification Process June 2021. Collection method: clinical testing. Allele origin: germline. Affected: yes.
Comment: Has not been previously published as pathogenic or benign to our knowledge; In silico analysis supports that this missense variant does not alter protein structure/function

Ambry Genetics
Classification: Uncertain significance for Inborn genetic diseases. Last evaluated: 2021-08-10. Review status: criteria provided, single submitter. Criteria: Ambry Variant Classification Scheme 2023. Collection method: clinical testing. Allele origin: germline.

Illumina Laboratory Services, Illumina
Classification: Uncertain significance for Autosomal recessive congenital ichthyosis 1. Last evaluated: 2018-01-12. Review status: criteria provided, single submitter. Criteria: ICSL Variant Classification Criteria 13 December 2019. Collection method: clinical testing. Allele origin: germline.

Genome-Nilou Lab
Classification: Uncertain significance for Autosomal recessive congenital ichthyosis 1. Review status: criteria provided, single submitter. Criteria: ACMG Guidelines, 2015. Collection method: clinical testing. Allele origin: germline.

Natera, Inc.
Classification: Uncertain significance for Autosomal recessive congenital ichthyosis type 1. Last evaluated: 2020-04-17. Review status: no assertion criteria provided. Collection method: clinical testing. Allele origin: germline. Not counted in ClinVar's aggregate classification.